The following is an entry in ClinVar:

NM_182961.4(SYNE1):c.15581G>A (p.Arg5194His)

Gene: SYNE1 (spectrin repeat containing nuclear envelope protein 1; minus strand). Cytogenetic location: 6q25.2.
Variant type: single nucleotide variant.
Coding change: c.15581G>A on transcript NM_182961.4 (MANE Select); coding-DNA position 15581, G replaced by A.
Protein change: p.Arg5194His; replaces arginine 5194 with histidine.
Molecular consequence: missense variant.
Genome position (GRCh38, 1-based): chr6:152,325,160, C>T on the plus strand (G>A on the coding strand, the complement: SYNE1 is on the minus strand). VCF-style: chr6-152325160-C-T. GRCh37 (hg19) VCF-style: chr6-152646295-C-T.
Other names: c.15368G>A, p.Arg5123His (NM_033071.5); short protein forms R5123H, R5194H.
Identifiers: ClinVar variation 1447813 (VCV001447813.6), dbSNP rs751121212, ClinGen allele CA4055746.
Genomic context (GRCh38, chr6:152,325,160, plus strand): 5'-GTCCACTCATCCACTGCATCTTCCAGGATCTTCTCCTGGTCCTGGGCCACAGCTCGAAGG[C>T]GTGTCCAGCGCTGCCAGACGGTGGTCATTGACCTGCTCAGGGTGGCTTTGCTGGCATCAT-3'
Protein context (NP_892006.3, residues 5184-5204): SMTTVWQRWT[Arg5194His]LRAVAQDQEK

ClinVar aggregate classification (germline): Uncertain significance (1 of 4 stars; one submission).

Conditions:
Emery-Dreifuss muscular dystrophy 4, autosomal dominant (EDMD4). Also called: EMERY-DREIFUSS MUSCULAR DYSTROPHY 4 WITH VARIABLE FEATURES. Identifiers: Orphanet 261, MedGen C2751807, MONDO:0013071, OMIM 612998.
Autosomal recessive ataxia, Beauce type. Also called: Spinocerebellar ataxia, autosomal recessive 8; ATAXIA, RECESSIVE, OF BEAUCE; SYNE1 Deficiency; SYNE1-Related Autosomal Recessive Cerebellar Ataxia. Identifiers: Orphanet 88644, MedGen C1853116, MONDO:0012549, OMIM 610743.

Allele frequency attached by ClinVar (database versions not stated): gnomAD exomes below 0.00001; TOPMed below 0.00001; ExAC 0.00001.
gnomAD v4.1: 6 of 1,614,194 alleles (0.00037%); highest among the groups gnomAD compares: Non-Finnish European, 0.00042%; no homozygotes.

Submission:

Labcorp Genetics (formerly Invitae), Labcorp
Classification: Uncertain significance for Emery-Dreifuss muscular dystrophy 4, autosomal dominant; Autosomal recessive ataxia, Beauce type. Last evaluated: 2021-02-25. Review status: criteria provided, single submitter. Criteria: Invitae Variant Classification Sherloc (09022015). Collection method: clinical testing. Allele origin: germline.
Comment: In summary, the available evidence is currently insufficient to determine the role of this variant in disease. Therefore, it has been classified as a Variant of Uncertain Significance. Algorithms developed to predict the effect of missense changes on protein structure and function (SIFT, PolyPhen-2, Align-GVGD) all suggest that this variant is likely to be disruptive, but these predictions have not been confirmed by published functional studies and their clinical significance is uncertain. This variant has not been reported in the literature in individuals with SYNE1-related conditions. This variant is present in population databases (rs751121212, ExAC 0.001%). This sequence change replaces arginine with histidine at codon 5123 of the SYNE1 protein (p.Arg5123His). The arginine residue is highly conserved and there is a small physicochemical difference between arginine and histidine.